The following is an entry in ClinVar:

NM_004036.5(ADCY3):c.480G>A (p.Ala160=)

Gene: ADCY3 (adenylate cyclase 3; minus strand). Cytogenetic location: 2p23.3.
Variant type: single nucleotide variant.
Coding change: c.480G>A on transcript NM_004036.5 (MANE Select); coding-DNA position 480, G replaced by A.
Protein change: p.Ala160=; no amino-acid change (alanine 160 retained).
Molecular consequence: synonymous variant.
Genome position (GRCh38, 1-based): chr2:24,918,508, C>T on the plus strand (G>A on the coding strand, the complement: ADCY3 is on the minus strand). VCF-style: chr2-24918508-C-T. GRCh37 (hg19) VCF-style: chr2-25141377-C-T.
Other names: c.480G>A, p.Ala160= (NM_001320613.2, NM_001377128.1, NM_001377129.1 and 2 more transcripts).
Identifiers: ClinVar variation 3034598 (VCV003034598.2), dbSNP rs77022138, ClinGen allele CA1554502.

ClinVar aggregate classification (germline): Likely benign (0 of 4 stars; one submission).

Conditions:
ADCY3-related disorder. Also called: ADCY3-related condition.

Allele frequency attached by ClinVar (database versions not stated): ESP Exome Variant Server 0.00008.
gnomAD v4.1: 28 of 1,613,774 alleles (0.0017%); highest among the groups gnomAD compares: Middle Eastern, 0.049%; no homozygotes.

Submission:

PreventionGenetics, part of Exact Sciences
Classification: Likely benign for ADCY3-related condition. Last evaluated: 2021-09-11. Review status: no assertion criteria provided. Collection method: clinical testing. Allele origin: germline.
Comment: This variant is classified as likely benign based on ACMG/AMP sequence variant interpretation guidelines (Richards et al. 2015 PMID: 25741868, with internal and published modifications).